The following is an entry in ClinVar:

ClinVar aggregate classification (germline): Uncertain significance. Review status: criteria provided, multiple submitters, no conflicts (2 of 4 stars). 2 submissions from 2 submitters: Uncertain significance (2). Last evaluated 2024-11-28.

Allele frequency attached by ClinVar (database versions not stated): TOPMed below 0.00001; gnomAD exomes 0.00001 and 0.00002.
gnomAD v4.1: 8 of 1,602,918 alleles (0.0005%); highest among the groups gnomAD compares: African/African-American, 0.0013%; no homozygotes.

Submissions (2):

Blueprint Genetics
Classification: Uncertain significance. Last evaluated: 2024-11-28. Review status: criteria provided, single submitter. Criteria: ACMG Guidelines, 2015. Collection method: clinical testing. Allele origin: germline.

Labcorp Genetics (formerly Invitae), Labcorp
Classification: Uncertain significance. Last evaluated: 2024-11-07. Review status: criteria provided, single submitter. Criteria: Invitae Variant Classification Sherloc (09022015). Collection method: clinical testing. Allele origin: germline.
Comment: This sequence change affects codon 309 of the COL18A1 mRNA. It is a 'silent' change, meaning that it does not change the encoded amino acid sequence of the COL18A1 protein. It affects a nucleotide within the consensus splice site. This variant is present in population databases (rs765570400, gnomAD 0.001%). This variant has not been reported in the literature in individuals affected with COL18A1-related conditions. ClinVar contains an entry for this variant (Variation ID: 1347822). Algorithms developed to predict the effect of sequence changes on RNA splicing suggest that this variant is not likely to affect RNA splicing. In summary, the available evidence is currently insufficient to determine the role of this variant in disease. Therefore, it has been classified as a Variant of Uncertain Significance.

NM_001379500.1(COL18A1):c.927A>G (p.Gly309=)

Gene: COL18A1 (collagen type XVIII alpha 1 chain; plus strand). Cytogenetic location: 21q22.3.
Variant type: single nucleotide variant.
Coding change: c.927A>G on transcript NM_001379500.1 (MANE Select); coding-DNA position 927, A replaced by G.
Protein change: p.Gly309=; no amino-acid change (glycine 309 retained).
Molecular consequence: synonymous variant.
Genome position (GRCh38, 1-based): chr21:45,476,479, A>G. VCF-style: chr21-45476479-A-G. GRCh37 (hg19) VCF-style: chr21-46896393-A-G.
Other names: c.1467A>G, p.Gly489= (NM_030582.4); c.2172A>G, p.Gly724= (NM_130444.3).
Identifiers: ClinVar variation 1347822 (VCV001347822.9), dbSNP rs765570400, ClinGen allele CA10065989.